The following is an entry in ClinVar:

ClinVar aggregate classification (germline): Uncertain significance (1 of 4 stars; one submission).

Submission:

GeneDx
Classification: Uncertain significance. Last evaluated: 2025-05-14. Review status: criteria provided, single submitter. Criteria: GeneDx Variant Classification Process June 2021. Collection method: clinical testing. Allele origin: germline. Affected: yes.
Comment: Not observed at significant frequency in large population cohorts (gnomAD); In silico analysis supports that this missense variant has a deleterious effect on protein structure/function; Has not been previously published as pathogenic or benign to our knowledge; Located in one of the three hot-spot regions of the RYR2 gene, where the majority of pathogenic missense variants occur (PMID: 19926015); This variant is associated with the following publications: (PMID: 19926015)

NM_001035.3(RYR2):c.14516A>G (p.Tyr4839Cys)

Gene: RYR2 (ryanodine receptor 2; plus strand). Cytogenetic location: 1q43.
Variant type: single nucleotide variant.
Coding change: c.14516A>G on transcript NM_001035.3 (MANE Select); coding-DNA position 14516, A replaced by G.
Protein change: p.Tyr4839Cys; replaces tyrosine 4839 with cysteine.
Molecular consequence: missense variant.
Genome position (GRCh38, 1-based): chr1:237,819,118, A>G. VCF-style: chr1-237819118-A-G. GRCh37 (hg19) VCF-style: chr1-237982418-A-G.
Other names: short protein forms Y4839C.
Identifiers: ClinVar variation 4529947 (VCV004529947.1).